The following is an entry in ClinVar:

NM_006164.5(NFE2L2):c.443C>T (p.Pro148Leu)

Gene: NFE2L2 (NFE2 like bZIP transcription factor 2; minus strand). Cytogenetic location: 2q31.2.
Variant type: single nucleotide variant.
Coding change: c.443C>T on transcript NM_006164.5 (MANE Select); coding-DNA position 443, C replaced by T.
Protein change: p.Pro148Leu; replaces proline 148 with leucine.
Molecular consequence: missense variant.
Genome position (GRCh38, 1-based): chr2:177,232,543, G>A on the plus strand (C>T on the coding strand, the complement: NFE2L2 is on the minus strand). VCF-style: chr2-177232543-G-A. GRCh37 (hg19) VCF-style: chr2-178097271-G-A.
Other names: c.395C>T, p.Pro132Leu (NM_001145412.3, NM_001313900.1, NM_001313901.1); c.374C>T, p.Pro125Leu (NM_001145413.3); c.353C>T, p.Pro118Leu (NM_001313902.2); c.224C>T, p.Pro75Leu (NM_001313903.2); c.143C>T, p.Pro48Leu (NM_001313904.1); short protein forms P118L, P125L, P132L, P148L, P48L, P75L.
Identifiers: ClinVar variation 2504265 (VCV002504265.3), dbSNP rs2105455573, ClinGen allele CA349376783.
Genomic context (GRCh38, chr2:177,232,543, plus strand): 5'-GAAGTTTCAGGTGACTGAGCCTGATTAGTAGCAATGAAGACTGGGCTCTCGATGTGACCG[G>A]GAATATCAGGAACAAGTGACTGAAACGTAGCCGAAGAAACCTAAAATTGATAAGGCATTG-3'
Protein context (NP_006155.2, residues 138-158): ATFQSLVPDI[Pro148Leu]GHIESPVFIA

ClinVar aggregate classification (germline): Uncertain significance (1 of 4 stars; one submission).

Submission:

GeneDx
Classification: Uncertain significance. Last evaluated: 2023-08-25. Review status: criteria provided, single submitter. Criteria: GeneDx Variant Classification Process June 2021. Collection method: clinical testing. Allele origin: germline. Affected: yes.
Comment: Not observed at significant frequency in large population cohorts (gnomAD); In silico analysis supports that this missense variant does not alter protein structure/function; Has not been previously published as pathogenic or benign to our knowledge